The following is an entry in ClinVar:

ClinVar aggregate classification (germline): Conflicting classifications of pathogenicity. Review status: criteria provided, conflicting classifications (1 of 4 stars). 6 submissions from 6 submitters: Uncertain significance (4); Likely benign (2). Last evaluated 2026-02-05.

Conditions:
Cardiovascular phenotype. Identifiers: MedGen CN230736.
Autosomal recessive limb-girdle muscular dystrophy type 2J (LGMDR10). Also called: Limb-girdle muscular dystrophy, type 2J; MUSCULAR DYSTROPHY, LIMB-GIRDLE, AUTOSOMAL RECESSIVE 10. Identifiers: Orphanet 140922, MedGen C1837342, MONDO:0012127, OMIM 608807.
Dilated cardiomyopathy 1G (CMD1G). Identifiers: Orphanet 154, MedGen C1858763, MONDO:0011400, OMIM 604145.
TTN-related disorder. Also called: TTN-related condition; TTN-related disease; TTN-related disorders.
Cardiomyopathy (CMYO). Also called: Cardiomyopathies. Identifiers: Orphanet 167848, MedGen C0878544, MONDO:0004994, HP:0001638. Inheritance: Various modes of inheritance.

Allele frequency attached by ClinVar (database versions not stated): gnomAD below 0.00001 and 0.00003; TOPMed 0.00002; gnomAD exomes 0.00008 and 0.00012; ExAC 0.00012; 1000 Genomes Project 30x 0.00016; 1000 Genomes Project 0.00020.
gnomAD v4.1: 119 of 1,613,780 alleles (0.0074%); highest among the groups gnomAD compares: South Asian, 0.078%; 2 homozygotes.

Submissions (6):

PreventionGenetics, part of Exact Sciences
Classification: Uncertain significance for TTN-related condition. Last evaluated: 2026-02-05. Review status: criteria provided, single submitter. Criteria: ACMG Guidelines, 2015. Collection method: clinical testing. Allele origin: germline.
Comment: The TTN c.85871G>A variant is predicted to result in the amino acid substitution p.Arg28624His. To our knowledge, this variant has not been reported in the literature. This variant is reported in 0.092% of alleles in individuals of South Asian descent in gnomAD. Although we suspect that this variant may be benign, at this time, the clinical significance of this variant is uncertain due to the absence of conclusive functional and genetic evidence.

Labcorp Genetics (formerly Invitae), Labcorp
Classification: Likely benign for Dilated cardiomyopathy 1G; Autosomal recessive limb-girdle muscular dystrophy type 2J. Last evaluated: 2025-12-15. Review status: criteria provided, single submitter. Criteria: Invitae Variant Classification Sherloc (09022015). Collection method: clinical testing. Allele origin: germline.

Athena Diagnostics
Classification: Uncertain significance. Last evaluated: 2025-08-22. Review status: criteria provided, single submitter. Criteria: Athena Diagnostics Criteria. Collection method: clinical testing. Allele origin: unknown.
Comment: Available data are insufficient to determine the clinical significance of the variant at this time. The frequency of this variant in the general population is higher than would generally be expected for pathogenic variants in this gene. Polyphen and MutationTaster yielded discordant predictions regarding whether this amino acid change is damaging to the protein.

GeneDx
Classification: Likely benign. Last evaluated: 2019-05-14. Review status: criteria provided, single submitter. Criteria: GeneDx Variant Classification Process June 2021. Collection method: clinical testing. Allele origin: germline. Affected: yes.

Ambry Genetics
Classification: Uncertain significance for Cardiovascular phenotype. Last evaluated: 2019-04-10. Review status: criteria provided, single submitter. Criteria: Ambry Variant Classification Scheme 2023. Collection method: clinical testing. Allele origin: germline.
Comment: The p.R19559H variant (also known as c.58676G>A), located in coding exon 153 of the TTN gene, results from a G to A substitution at nucleotide position 58676. The arginine at codon 19559 is replaced by histidine, an amino acid with highly similar properties. This amino acid position is well conserved in available vertebrate species. In addition, this alteration is predicted to be tolerated by in silico analysis. Since supporting evidence is limited at this time, the clinical significance of this alteration remains unclear.

CHEO Genetics Diagnostic Laboratory, Children's Hospital of Eastern Ontario
Classification: Uncertain significance for Cardiomyopathy. Last evaluated: 2017-08-14. Review status: criteria provided, single submitter. Criteria: ACMG Guidelines, 2015. Collection method: clinical testing. Allele origin: germline. Study: Canadian Open Genetics Repository.

Literature cited by the submitters: PubMed 31028938 (cited by Athena Diagnostics).

NM_001267550.2(TTN):c.85871G>A (p.Arg28624His)

Genes: TTN (titin; minus strand), TTN-AS1 (TTN antisense RNA 1; plus strand). Cytogenetic location: 2q31.2.
Variant type: single nucleotide variant.
Coding change: c.85871G>A on transcript NM_001267550.2 (MANE Select); coding-DNA position 85871, G replaced by A.
Protein change: p.Arg28624His; replaces arginine 28624 with histidine.
Molecular consequence: missense variant.
Genome position (GRCh38, 1-based): chr2:178,560,261, C>T on the plus strand (G>A on the coding strand, the complement: TTN is on the minus strand). VCF-style: chr2-178560261-C-T. GRCh37 (hg19) VCF-style: chr2-179424988-C-T.
Other names: c.80948G>A, p.Arg26983His (NM_001256850.1); c.58676G>A, p.Arg19559His (NM_003319.4); c.78167G>A, p.Arg26056His (NM_133378.4); c.59051G>A, p.Arg19684His (NM_133432.3); c.59252G>A, p.Arg19751His (NM_133437.4); c.85871G>A (NM_001267550.1); short protein forms R26983H, R28624H, R19559H, R19751H, R19684H, R26056H.
Identifiers: ClinVar variation 509582 (VCV000509582.57), dbSNP rs538641703, ClinGen allele CA1988576.